The following is an entry in ClinVar:

ClinVar aggregate classification (germline): Likely benign (0 of 4 stars; one submission).

Conditions:
CPAMD8-related disorder. Also called: CPAMD8-related condition.

Submission:

PreventionGenetics, part of Exact Sciences
Classification: Likely benign for CPAMD8-related condition. Last evaluated: 2019-09-04. Review status: no assertion criteria provided. Collection method: clinical testing. Allele origin: germline.
Comment: This variant is classified as likely benign based on ACMG/AMP sequence variant interpretation guidelines (Richards et al. 2015 PMID: 25741868, with internal and published modifications).

NM_015692.5(CPAMD8):c.1758+5A>G

Gene: CPAMD8 (C3 and PZP like alpha-2-macroglobulin domain containing 8; minus strand). Cytogenetic location: 19p13.11.
Variant type: single nucleotide variant.
Coding change: c.1758+5A>G on transcript NM_015692.5 (MANE Select); 5 bases into the intron after coding-DNA position 1758, A replaced by G.
Molecular consequence: intron variant.
Genome position (GRCh38, 1-based): chr19:16,977,363, T>C on the plus strand (A>G on the coding strand, the complement: CPAMD8 is on the minus strand). VCF-style: chr19-16977363-T-C. GRCh37 (hg19) VCF-style: chr19-17088173-T-C.
Identifiers: ClinVar variation 3053515 (VCV003053515.2), dbSNP rs2513246585, ClinGen allele CA2583280354.
Genomic context (GRCh38, chr19:16,977,363, plus strand): 5'-CCAGCACCTTGGAGAAGCCCCGATGGCCCCTGGCTGTGTCCCAGGTTCAGTGCACGATGC[T>C]CTACCTGGTTTTCGAAGAAGGTCTCGACTGCAAACTGAAGGCTGTCGGCGACCCCTTCTC-3'